The following is an entry in ClinVar:

NM_001276270.2(MBD4):c.553A>G (p.Lys185Glu)

Gene: MBD4 (methyl-CpG binding domain 4, DNA glycosylase; minus strand). Cytogenetic location: 3q21.3.
Variant type: single nucleotide variant.
Coding change: c.553A>G on transcript NM_001276270.2 (MANE Select); coding-DNA position 553, A replaced by G.
Protein change: p.Lys185Glu; replaces lysine 185 with glutamic acid.
Molecular consequence: missense variant. On other transcripts: intron variant (1).
Genome position (GRCh38, 1-based): chr3:129,437,091, T>C on the plus strand (A>G on the coding strand, the complement: MBD4 is on the minus strand). VCF-style: chr3-129437091-T-C. GRCh37 (hg19) VCF-style: chr3-129155934-T-C.
Other names: c.553A>G, p.Lys185Glu (NM_001276271.2, NM_001276272.2, NM_003925.3); c.247+717A>G (NM_001276273.2); short protein forms K185E.
Identifiers: ClinVar variation 3870926 (VCV003870926.1).

ClinVar aggregate classification (germline): Uncertain significance (1 of 4 stars; one submission).

Conditions:
Inborn genetic diseases. Identifiers: MedGen C0950123, MeSH D030342.

Submission:

Ambry Genetics
Classification: Uncertain significance for Inborn genetic diseases. Last evaluated: 2025-02-05. Review status: criteria provided, single submitter. Criteria: Ambry Variant Classification Scheme 2023. Collection method: clinical testing. Allele origin: germline.
Comment: The p.K185E variant (also known as c.553A>G), located in coding exon 3 of the MBD4 gene, results from an A to G substitution at nucleotide position 553. The lysine at codon 185 is replaced by glutamic acid, an amino acid with similar properties. This amino acid position is conserved. In addition, this alteration is predicted to be tolerated by in silico analysis. Based on the available evidence, the clinical significance of this variant remains unclear.